The following is an entry in ClinVar:

NM_032520.5(GNPTG):c.242_243del (p.Lys80_Tyr81insTer)

Gene: GNPTG (N-acetylglucosamine-1-phosphate transferase subunit gamma; plus strand). Cytogenetic location: 16p13.3.
Variant type: Deletion.
Coding change: c.242_243del on transcript NM_032520.5 (MANE Select); coding-DNA positions 242 to 243, 2 bases deleted (AT; older notation c.242_243delAT).
Protein change: p.Lys80_Tyr81insTer.
Molecular consequence: nonsense.
Genome position (GRCh38, 1-based): chr16:1,361,880-1,361,881, AT deleted; deleting any 2 consecutive bases within chr16:1,361,879-1,361,881 gives the same sequence; the c. name uses the placement nearest the transcript's 3' end. VCF-style (leftmost placement, unchanged base first): chr16-1361878-GTA-G. GRCh37 (hg19) VCF-style: chr16-1411879-GTA-G.
Identifiers: ClinVar variation 554142 (VCV000554142.5), dbSNP rs1555451643, ClinGen allele CA658824127.
Genomic context (GRCh38, chr16:1,361,878, plus strand): 5'-AGGGTGGGCTGGGGCGCAGCCTGCGGACCCCCCTCATGCCATCTGTGTCCCCAGGTACAA[GTA>G]TGAGTTCTGCCCGTTCCACAACGTGACCCAGCACGAGCAGACCTTCCGCTGGAACGCCTA-3'

ClinVar aggregate classification (germline): Pathogenic. Review status: criteria provided, single submitter (1 of 4 stars). 2 submissions from 2 submitters: Pathogenic (1). 1 of the submissions does not count toward it. Last evaluated 2022-11-07.

Conditions:
GNPTG-mucolipidosis. Also called: ML III GAMMA; ML IIIC; Mucolipidosis type III gamma; MUCOLIPIDOSIS III, COMPLEMENTATION GROUP C; MUCOLIPIDOSIS III, IRANIAN VARIANT FORM; MUCOLIPIDOSIS III, VARIANT FORM. Identifiers: Orphanet 423470, Orphanet 577, MedGen C1854896, MONDO:0009652, OMIM 252605.

Submissions (2):

Labcorp Genetics (formerly Invitae), Labcorp
Classification: Pathogenic. Last evaluated: 2022-11-07. Review status: criteria provided, single submitter. Criteria: Invitae Variant Classification Sherloc (09022015). Collection method: clinical testing. Allele origin: germline.
Comment: For these reasons, this variant has been classified as Pathogenic. ClinVar contains an entry for this variant (Variation ID: 554142). This premature translational stop signal has been observed in individual(s) with mucolipidosis III gamma (PMID: 29872134). This variant is not present in population databases (gnomAD no frequency). This sequence change creates a premature translational stop signal (p.Tyr81*) in the GNPTG gene. It is expected to result in an absent or disrupted protein product. Loss-of-function variants in GNPTG are known to be pathogenic (PMID: 19370764, 20301784).

Counsyl
Classification: Likely pathogenic for GNPTG-mucolipidosis. Last evaluated: 2017-09-28. Review status: no assertion criteria provided. Collection method: clinical testing. Allele origin: unknown. Not counted in ClinVar's aggregate classification.

Literature cited by the submitters: PubMed 29872134 (cited by Labcorp Genetics (formerly Invitae), Labcorp); PubMed 19370764 (cited by Labcorp Genetics (formerly Invitae), Labcorp); PubMed 20301784 (cited by Labcorp Genetics (formerly Invitae), Labcorp).